The following is an entry in ClinVar:

NM_000059.4(BRCA2):c.7142C>A (p.Pro2381Gln)

Gene: BRCA2 (BRCA2 DNA repair associated; plus strand). Cytogenetic location: 13q13.1.
Variant type: single nucleotide variant.
Coding change: c.7142C>A on transcript NM_000059.4 (MANE Select); coding-DNA position 7142, C replaced by A.
Protein change: p.Pro2381Gln; replaces proline 2381 with glutamine.
Molecular consequence: missense variant.
Genome position (GRCh38, 1-based): chr13:32,354,995, C>A. VCF-style: chr13-32354995-C-A. GRCh37 (hg19) VCF-style: chr13-32929132-C-A.
Other names: short protein forms P2381Q.
Identifiers: ClinVar variation 495495 (VCV000495495.12), dbSNP rs746751519, ClinGen allele CA6941063.

ClinVar aggregate classification (germline): Uncertain significance. Review status: criteria provided, multiple submitters, no conflicts (2 of 4 stars). 4 submissions from 4 submitters: Uncertain significance (4). Last evaluated 2025-06-24.

Conditions:
Hereditary breast ovarian cancer syndrome. Also called: Hereditary breast and/or ovarian cancer syndrome; BRCA1- and BRCA2-Associated Hereditary Breast and Ovarian Cancer; Breast and ovarian cancer; Hereditary breast and ovarian cancer; Hereditary breast and ovarian cancer syndrome; Hereditary breast and ovarian cancer syndrome (HBOC). Identifiers: Orphanet 145, MedGen C0677776, MeSH D061325, MONDO:0003582. Disease mechanism: loss of function.
Hereditary cancer-predisposing syndrome. Also called: Hereditary neoplastic syndrome; Tumor predisposition; Hereditary Cancer Syndrome; Neoplastic Syndromes, Hereditary. Identifiers: Orphanet 140162, MedGen C0027672, MeSH D009386, MONDO:0015356.
Familial cancer of breast. Also called: Hereditary breast cancer; hereditary breast carcinoma; BREAST CANCER, FAMILIAL. Identifiers: Orphanet 227535, MedGen C0346153, MONDO:0016419, OMIM 114480. Disease mechanism: loss of function.

Allele frequency attached by ClinVar (database versions not stated): gnomAD exomes below 0.00001; ExAC 0.00001; TOPMed 0.00001.
gnomAD v4.1: 2 of 1,613,632 alleles (0.00012%); highest among the groups gnomAD compares: Admixed American, 0.0033%; no homozygotes.

Submissions (4):

Labcorp Genetics (formerly Invitae), Labcorp
Classification: Uncertain significance for Hereditary breast ovarian cancer syndrome. Last evaluated: 2025-06-24. Review status: criteria provided, single submitter. Criteria: Invitae Variant Classification Sherloc (09022015). Collection method: clinical testing. Allele origin: germline.
Comment: This sequence change replaces proline, which is neutral and non-polar, with glutamine, which is neutral and polar, at codon 2381 of the BRCA2 protein (p.Pro2381Gln). This variant is present in population databases (rs746751519, gnomAD 0.003%). This variant has not been reported in the literature in individuals affected with BRCA2-related conditions. ClinVar contains an entry for this variant (Variation ID: 495495). Invitae Evidence Modeling of protein sequence and biophysical properties (such as structural, functional, and spatial information, amino acid conservation, physicochemical variation, residue mobility, and thermodynamic stability) indicates that this missense variant is not expected to disrupt BRCA2 protein function with a negative predictive value of 95%. In summary, the available evidence is currently insufficient to determine the role of this variant in disease. Therefore, it has been classified as a Variant of Uncertain Significance.

Baylor Genetics
Classification: Uncertain significance for Familial cancer of breast. Last evaluated: 2023-10-16. Review status: criteria provided, single submitter. Criteria: ACMG Guidelines, 2015. Collection method: clinical testing. Allele origin: unknown.

Ambry Genetics
Classification: Uncertain significance for Hereditary cancer-predisposing syndrome. Last evaluated: 2022-01-28. Review status: criteria provided, single submitter. Criteria: Ambry Variant Classification Scheme 2023. Collection method: clinical testing. Allele origin: germline.
Comment: The p.P2381Q variant (also known as c.7142C>A), located in coding exon 13 of the BRCA2 gene, results from a C to A substitution at nucleotide position 7142. The proline at codon 2381 is replaced by glutamine, an amino acid with similar properties. This amino acid position is not well conserved in available vertebrate species. In addition, the in silico prediction for this alteration is inconclusive. Since supporting evidence is limited at this time, the clinical significance of this alteration remains unclear.

Women's Health and Genetics/Laboratory Corporation of America, LabCorp
Classification: Uncertain significance. Last evaluated: 2016-03-08. Review status: criteria provided, single submitter. Criteria: LabCorp Variant Classification Summary - May 2015. Collection method: clinical testing. Allele origin: germline.
Comment: Variant summary: c.7142C>A affects a non-conserved nucleotide, resulting in amino acid change from Pro to Gln. 4/5 in-silico tools predict this variant to be damaging. This variant was found in 1/121362 control chromosomes at a frequency of 0.0000082, which does not exceed the maximal expected frequency of a pathogenic allele (0.0007503). The variant of interest has not been reported in affected individuals via publications and/or reputable databases/clinical laboratories nor was it evaluated for functional impact by in vivo/vitro studies. Due to the absence of clinical information and lack of functional studies, the variant was classified as a variant of uncertain significance (VUS) until additional information becomes available.